The following is an entry in ClinVar:

ClinVar aggregate classification (germline): Uncertain significance (1 of 4 stars; one submission).

Conditions:
Sacral agenesis-abnormal ossification of the vertebral bodies-persistent notochordal canal syndrome. Also called: Sacral agenesis with vertebral anomalies. Identifiers: Orphanet 397927, MedGen C3810343, MONDO:0014314, OMIM 615709.
Neural tube defects, susceptibility to. Identifiers: MedGen C3891448, MONDO:0020705, OMIM 182940.

gnomAD v4.1: 77 of 1,614,186 alleles (0.0048%); highest among the groups gnomAD compares: East Asian, 0.16%; no homozygotes.

Submission:

Juno Genomics, Hangzhou Juno Genomics, Inc
Classification: Uncertain significance for Neural tube defects, susceptibility to; Sacral agenesis-abnormal ossification of the vertebral bodies-persistent notochordal canal syndrome. Review status: criteria provided, single submitter. Criteria: ACMG Guidelines, 2015. Collection method: clinical testing. Allele origin: germline.
Comment: Absent from controls (or at extremely low frequency if recessive) in Genome Aggregation Database.;Multiple lines of computational evidence support a deleterious effect on the gene or gene product.

NM_001366285.2(TBXT):c.499G>A (p.Glu167Lys)

Gene: TBXT (T-box transcription factor T; minus strand). Cytogenetic location: 6q27.
Variant type: single nucleotide variant.
Coding change: c.499G>A on transcript NM_001366285.2 (MANE Select); coding-DNA position 499, G replaced by A.
Protein change: p.Glu167Lys; replaces glutamic acid 167 with lysine.
Molecular consequence: missense variant.
Genome position (GRCh38, 1-based): chr6:166,165,813, C>T on the plus strand (G>A on the coding strand, the complement: TBXT is on the minus strand). VCF-style: chr6-166165813-C-T. GRCh37 (hg19) VCF-style: chr6-166579301-C-T.
Other names: c.499G>A, p.Glu167Lys (NM_001270484.2, NM_001366286.2, NM_003181.4); short protein forms E167K.
Identifiers: ClinVar variation 5006992 (VCV005006992.2).
Genomic context (GRCh38, chr6:166,165,813, plus strand): 5'-AGCAGTGGCTGGTGATCATGCGCTGTGGACCCCCAACTCTCACTATGTGGATTCGAGGCT[C>T]ATACTTATGCAAGGAGTTCAGCATGATCTGAGGGAGACAGATACAGGATTGGTGGCACTG-3'
Protein context (NP_001353214.1, residues 157-177): QIMLNSLHKY[Glu167Lys]PRIHIVRVGG